The following is an entry in ClinVar:

ClinVar aggregate classification (germline): Uncertain significance (1 of 4 stars; one submission).

Submission:

GeneDx
Classification: Uncertain significance. Last evaluated: 2025-08-08. Review status: criteria provided, single submitter. Criteria: GeneDx Variant Classification Process June 2021. Collection method: clinical testing. Allele origin: germline. Affected: yes.
Comment: Not observed at significant frequency in large population cohorts (gnomAD); In silico analysis suggests that this missense variant does not alter protein structure/function; Has not been previously published as pathogenic or benign to our knowledge

NM_000890.5(KCNJ5):c.283A>G (p.Met95Val)

Gene: KCNJ5 (potassium inwardly rectifying channel subfamily J member 5; plus strand). Cytogenetic location: 11q24.3.
Variant type: single nucleotide variant.
Coding change: c.283A>G on transcript NM_000890.5 (MANE Select); coding-DNA position 283, A replaced by G.
Protein change: p.Met95Val; replaces methionine 95 with valine.
Molecular consequence: missense variant.
Genome position (GRCh38, 1-based): chr11:128,911,556, A>G. VCF-style: chr11-128911556-A-G. GRCh37 (hg19) VCF-style: chr11-128781451-A-G.
Other names: c.283A>G, p.Met95Val (NM_001354169.2); short protein forms M95V.
Identifiers: ClinVar variation 4756072 (VCV004756072.1).